The following is an entry in ClinVar:

NM_181703.4(GJA5):c.977G>C (p.Gly326Ala)

Gene: GJA5 (gap junction protein alpha 5; minus strand). Cytogenetic location: 1q21.2.
Variant type: single nucleotide variant.
Coding change: c.977G>C on transcript NM_181703.4 (MANE Select); coding-DNA position 977, G replaced by C.
Protein change: p.Gly326Ala; replaces glycine 326 with alanine.
Molecular consequence: missense variant.
Genome position (GRCh38, 1-based): chr1:147,758,262, C>G on the plus strand (G>C on the coding strand, the complement: GJA5 is on the minus strand). VCF-style: chr1-147758262-C-G. GRCh37 (hg19) VCF-style: chr1-147230370-C-G.
Other names: c.977G>C, p.Gly326Ala (NM_005266.7); short protein forms G326A.
Identifiers: ClinVar variation 1316153 (VCV001316153.7), dbSNP rs782703462, ClinGen allele CA1065666.

ClinVar aggregate classification (germline): Uncertain significance. Review status: criteria provided, multiple submitters, no conflicts (2 of 4 stars). 2 submissions from 2 submitters: Uncertain significance (2). Last evaluated 2023-10-04.

Conditions:
Atrial fibrillation, familial, 11 (ATFB11). Identifiers: MedGen C3279693, MONDO:0013544, OMIM 614049.
Atrial standstill 1 (ATRST1). Also called: Atrial standstill, digenic (GJA5/SCN5A); ATRIAL CARDIOMYOPATHY WITH HEART BLOCK; CARDIOMYOPATHY, FAMILIAL, WITH CONDUCTION DISTURBANCE. Identifiers: Orphanet 1344, MedGen C4551959, MONDO:0007171, OMIM 108770.

Allele frequency attached by ClinVar (database versions not stated): gnomAD exomes below 0.00001; TOPMed below 0.00001; ExAC 0.00001; gnomAD 0.00001.
gnomAD v4.1: 7 of 1,613,992 alleles (0.00043%); highest among the groups gnomAD compares: African/African-American, 0.0013%; no homozygotes.

Submissions (2):

Labcorp Genetics (formerly Invitae), Labcorp
Classification: Uncertain significance for Atrial fibrillation, familial, 11; Atrial standstill 1. Last evaluated: 2023-10-04. Review status: criteria provided, single submitter. Criteria: Invitae Variant Classification Sherloc (09022015). Collection method: clinical testing. Allele origin: germline.
Comment: This sequence change replaces glycine, which is neutral and non-polar, with alanine, which is neutral and non-polar, at codon 326 of the GJA5 protein (p.Gly326Ala). This variant is present in population databases (rs782703462, gnomAD 0.0009%). This variant has not been reported in the literature in individuals affected with GJA5-related conditions. ClinVar contains an entry for this variant (Variation ID: 1316153). An algorithm developed to predict the effect of missense changes on protein structure and function (PolyPhen-2) suggests that this variant is likely to be tolerated. In summary, the available evidence is currently insufficient to determine the role of this variant in disease. Therefore, it has been classified as a Variant of Uncertain Significance.

GeneDx
Classification: Uncertain significance. Last evaluated: 2019-07-31. Review status: criteria provided, single submitter. Criteria: GeneDx Variant Classification Process June 2021. Collection method: clinical testing. Allele origin: germline. Affected: yes.
Comment: Has not been previously published as pathogenic or benign to our knowledge; Not observed at a significant frequency in large population cohorts (Lek et al., 2016); In silico analysis, which includes protein predictors and evolutionary conservation, supports that this variant does not alter protein structure/function; Reported in ClinVar as a variant of uncertain significance, but additional evidence is not available (ClinVar Variant ID# 566272; Landrum et al., 2016)